The following is an entry in ClinVar:

NM_030962.4(SBF2):c.952C>T (p.Gln318Ter)

Gene: SBF2 (SET binding factor 2; minus strand). Cytogenetic location: 11p15.4.
Variant type: single nucleotide variant.
Coding change: c.952C>T on transcript NM_030962.4 (MANE Select); coding-DNA position 952, C replaced by T.
Protein change: p.Gln318Ter; replaces glutamine 318 with a stop codon.
Molecular consequence: nonsense.
Genome position (GRCh38, 1-based): chr11:9,998,289, G>A on the plus strand (C>T on the coding strand, the complement: SBF2 is on the minus strand). VCF-style: chr11-9998289-G-A. GRCh37 (hg19) VCF-style: chr11-10019836-G-A.
Other names: c.952C>T, p.Gln318Ter (NM_001386339.1, NM_001386342.1); short protein forms Q318*.
Identifiers: ClinVar variation 2044685 (VCV002044685.4), dbSNP rs2496157537, ClinGen allele CA379639603.

ClinVar aggregate classification (germline): Pathogenic (1 of 4 stars; one submission).

Conditions:
Charcot-Marie-Tooth disease type 4. Also called: Charcot-Marie-Tooth disease, type IV; Charcot-Marie-Tooth, Type 4. Identifiers: Orphanet 64749, MedGen C4082197, MONDO:0018995.

Submission:

Labcorp Genetics (formerly Invitae), Labcorp
Classification: Pathogenic for Charcot-Marie-Tooth disease type 4. Last evaluated: 2021-12-17. Review status: criteria provided, single submitter. Criteria: Invitae Variant Classification Sherloc (09022015). Collection method: clinical testing. Allele origin: germline.
Comment: This sequence change creates a premature translational stop signal (p.Gln318*) in the SBF2 gene. It is expected to result in an absent or disrupted protein product. Loss-of-function variants in SBF2 are known to be pathogenic (PMID: 12687498, 25873783). This variant is not present in population databases (gnomAD no frequency). This variant has not been reported in the literature in individuals affected with SBF2-related conditions. For these reasons, this variant has been classified as Pathogenic.

Literature cited by the submitters: PubMed 12687498; PubMed 25873783.